The following is an entry in ClinVar:

NM_006118.4(HAX1):c.477C>A (p.Asp159Glu)

Gene: HAX1 (HCLS1 associated protein X-1; plus strand). Cytogenetic location: 1q21.3.
Variant type: single nucleotide variant.
Coding change: c.477C>A on transcript NM_006118.4 (MANE Select); coding-DNA position 477, C replaced by A.
Protein change: p.Asp159Glu; replaces aspartic acid 159 with glutamic acid.
Molecular consequence: missense variant.
Genome position (GRCh38, 1-based): chr1:154,273,934, C>A. VCF-style: chr1-154273934-C-A. GRCh37 (hg19) VCF-style: chr1-154246410-C-A.
Other names: c.333C>A, p.Asp111Glu (NM_001018837.2); short protein forms D111E, D159E.
Identifiers: ClinVar variation 3856891 (VCV003856891.1).

ClinVar aggregate classification (germline): Uncertain significance (1 of 4 stars; one submission).

Conditions:
Inborn genetic diseases. Identifiers: MedGen C0950123, MeSH D030342.

gnomAD v4.1: 2 of 1,614,150 alleles (0.00012%); highest among the groups gnomAD compares: African/African-American, 0.0027%; no homozygotes.

Submission:

Ambry Genetics
Classification: Uncertain significance for Inborn genetic diseases. Last evaluated: 2025-02-15. Review status: criteria provided, single submitter. Criteria: Ambry Variant Classification Scheme 2023. Collection method: clinical testing. Allele origin: germline.
Comment: The p.D159E variant (also known as c.477C>A), located in coding exon 3 of the HAX1 gene, results from a C to A substitution at nucleotide position 477. The aspartic acid at codon 159 is replaced by glutamic acid, an amino acid with highly similar properties. This amino acid position is conserved. In addition, this alteration is predicted to be tolerated by in silico analysis. Based on the available evidence, the clinical significance of this variant remains unclear.